The following is an entry in ClinVar:

ClinVar aggregate classification (germline): Uncertain significance (1 of 4 stars; one submission).

Submission:

CeGaT Center for Human Genetics Tuebingen
Classification: Uncertain significance. Last evaluated: 2025-01-01. Review status: criteria provided, single submitter. Criteria: CeGaT Center For Human Genetics Tuebingen Variant Classification Criteria Version 2. Collection method: clinical testing. Allele origin: germline. Affected: yes. Observed: 1 variant allele.
Comment: JMJD1C: PM2, BP4

NM_032776.3(JMJD1C):c.7015G>A (p.Val2339Ile)

Gene: JMJD1C (jumonji domain containing 1C; minus strand). Cytogenetic location: 10q21.3.
Variant type: single nucleotide variant.
Coding change: c.7015G>A on transcript NM_032776.3 (MANE Select); coding-DNA position 7015, G replaced by A.
Protein change: p.Val2339Ile; replaces valine 2339 with isoleucine.
Molecular consequence: missense variant. On other transcripts: non-coding transcript variant (1).
Genome position (GRCh38, 1-based): chr10:63,183,516, C>T on the plus strand (G>A on the coding strand, the complement: JMJD1C is on the minus strand). VCF-style: chr10-63183516-C-T. GRCh37 (hg19) VCF-style: chr10-64943276-C-T.
Other names: c.6469G>A, p.Val2157Ile (NM_001282948.2, NM_001318154.2); c.6151G>A, p.Val2051Ile (NM_001318153.2); c.6901G>A, p.Val2301Ile (NM_001322252.2); c.6358G>A, p.Val2120Ile (NM_001322254.2, NM_001322258.2); short protein forms V2051I, V2120I, V2157I, V2301I, V2339I.
Identifiers: ClinVar variation 3772337 (VCV003772337.13).